The following is an entry in ClinVar:

NM_004655.4(AXIN2):c.754A>C (p.Ser252Arg)

Gene: AXIN2 (axin 2; minus strand). Cytogenetic location: 17q24.1.
Variant type: single nucleotide variant.
Coding change: c.754A>C on transcript NM_004655.4 (MANE Select); coding-DNA position 754, A replaced by C.
Protein change: p.Ser252Arg; replaces serine 252 with arginine.
Molecular consequence: missense variant.
Genome position (GRCh38, 1-based): chr17:65,557,867, T>G on the plus strand (A>C on the coding strand, the complement: AXIN2 is on the minus strand). VCF-style: chr17-65557867-T-G. GRCh37 (hg19) VCF-style: chr17-63553985-T-G.
Other names: c.754A>C, p.Ser252Arg (NM_001363813.1); short protein forms S252R.
Identifiers: ClinVar variation 2560979 (VCV002560979.3), dbSNP rs2044293390, ClinGen allele CA400680347.

ClinVar aggregate classification (germline): Uncertain significance (1 of 4 stars; one submission).

Conditions:
Hereditary cancer-predisposing syndrome. Also called: Neoplastic Syndromes, Hereditary; Hereditary Cancer Syndrome; Hereditary neoplastic syndrome; Tumor predisposition. Identifiers: Orphanet 140162, MedGen C0027672, MeSH D009386, MONDO:0015356.

Allele frequency attached by ClinVar (database versions not stated): gnomAD exomes below 0.00001; TOPMed 0.00001.
gnomAD v4.1: 5 of 1,614,204 alleles (0.00031%); highest among the groups gnomAD compares: Non-Finnish European, 0.00034%; no homozygotes.

Submission:

Ambry Genetics
Classification: Uncertain significance for Hereditary cancer-predisposing syndrome. Last evaluated: 2025-07-10. Review status: criteria provided, single submitter. Criteria: Ambry Variant Classification Scheme 2023. Collection method: clinical testing. Allele origin: germline.
Comment: The p.S252R variant (also known as c.754A>C), located in coding exon 1 of the AXIN2 gene, results from an A to C substitution at nucleotide position 754. The serine at codon 252 is replaced by arginine, an amino acid with dissimilar properties. This amino acid position is conserved. In addition, this alteration is predicted to be tolerated by in silico analysis. Since supporting evidence is limited at this time, the clinical significance of this alteration remains unclear.